The following is an entry in ClinVar:

ClinVar aggregate classification (germline): Likely pathogenic. Review status: criteria provided, single submitter (1 of 4 stars). 2 submissions from 2 submitters: Likely pathogenic (1). 1 of the submissions does not count toward it. Last evaluated 2026-04-12.

Conditions:
Protein S deficiency disease. Also called: Protein S deficiency. Identifiers: MedGen C0242666, MeSH D018455, MONDO:0002304.

Submissions (2):

Dasa
Classification: Likely pathogenic. Last evaluated: 2026-04-12. Review status: criteria provided, single submitter. Criteria: DASA Assertion Criteria. Collection method: clinical testing. Allele origin: germline.
Comment: NM_000313.4(PROS1):c.139G>T (p.Glu47*) is a nonsense variant in PROS1 predicted to introduce a premature termination codon and is predicted to result in an absent or altered protein product. Loss of function is an established disease mechanism for PROS1-associated disorders. Also, this variant is absent from population databases. Based on the currently available evidence, this variant is classified as likely pathogenic.

ISTH-SSC Genomics in Thrombosis and Hemostasis, KU Leuven, Center for Molecular and Vascular Biology
Classification: Pathogenic for Protein S deficiency disease. Review status: no assertion criteria provided. Collection method: research. Allele origin: unknown. Affected: yes. Not counted in ClinVar's aggregate classification.
Comment: Submitted to GoldVariant by Dr Karyn Mégy from NIHR Bioresource - Cambridge University, UK

NM_000313.4(PROS1):c.139G>T (p.Glu47Ter)

Gene: PROS1 (protein S; minus strand). Cytogenetic location: 3q11.1.
Variant type: single nucleotide variant.
Coding change: c.139G>T on transcript NM_000313.4 (MANE Select); coding-DNA position 139, G replaced by T.
Protein change: p.Glu47Ter; replaces glutamic acid 47 with a stop codon.
Molecular consequence: nonsense.
Genome position (GRCh38, 1-based): chr3:93,927,345, C>A on the plus strand (G>T on the coding strand, the complement: PROS1 is on the minus strand). VCF-style: chr3-93927345-C-A. GRCh37 (hg19) VCF-style: chr3-93646189-C-A.
Other names: c.235G>T, p.Glu79Ter (NM_001314077.2); short protein forms E47*, E79*.
Identifiers: ClinVar variation 1684343 (VCV001684343.3), dbSNP rs1709034856, ClinGen allele CA353674621.